The following is an entry in ClinVar:

ClinVar aggregate classification (germline): Uncertain significance (1 of 4 stars; one submission).

Conditions:
Cardiovascular phenotype. Identifiers: MedGen CN230736.

Submission:

Ambry Genetics
Classification: Uncertain significance for Cardiovascular phenotype. Last evaluated: 2026-08-24. Review status: criteria provided, single submitter. Criteria: Ambry Variant Classification Scheme 2023. Collection method: clinical testing. Allele origin: germline.
Comment: The p.Q924L variant (also known as c.2771A>T), located in coding exon 23 of the JAG1 gene, results from an A to T substitution at nucleotide position 2771. The glutamine at codon 924 is replaced by leucine, an amino acid with dissimilar properties. This amino acid position is conserved. In addition, the in silico prediction for this alteration is inconclusive. Based on the available evidence, the clinical significance of this variant remains unclear.

NM_000214.3(JAG1):c.2771A>T (p.Gln924Leu)

Gene: JAG1 (jagged canonical Notch ligand 1; minus strand). Cytogenetic location: 20p12.2.
Variant type: single nucleotide variant.
Coding change: c.2771A>T on transcript NM_000214.3 (MANE Select); coding-DNA position 2771, A replaced by T.
Protein change: p.Gln924Leu; replaces glutamine 924 with leucine.
Molecular consequence: missense variant.
Genome position (GRCh38, 1-based): chr20:10,641,605, T>A on the plus strand (A>T on the coding strand, the complement: JAG1 is on the minus strand). VCF-style: chr20-10641605-T-A. GRCh37 (hg19) VCF-style: chr20-10622253-T-A.
Other names: short protein forms Q924L.
Identifiers: ClinVar variation 5022882 (VCV005022882.1).